The following is an entry in ClinVar:

NM_001003800.2(BICD2):c.212T>C (p.Ile71Thr)

Gene: BICD2 (BICD cargo adaptor 2; minus strand). Cytogenetic location: 9q22.31.
Variant type: single nucleotide variant.
Coding change: c.212T>C on transcript NM_001003800.2 (MANE Select); coding-DNA position 212, T replaced by C.
Protein change: p.Ile71Thr; replaces isoleucine 71 with threonine.
Molecular consequence: missense variant.
Genome position (GRCh38, 1-based): chr9:92,764,533, A>G on the plus strand (T>C on the coding strand, the complement: BICD2 is on the minus strand). VCF-style: chr9-92764533-A-G. GRCh37 (hg19) VCF-style: chr9-95526815-A-G.
Other names: c.212T>C, p.Ile71Thr (NM_015250.4); short protein forms I71T.
Identifiers: ClinVar variation 1490808 (VCV001490808.8), dbSNP rs2131542548, ClinGen allele CA374031882.

ClinVar aggregate classification (germline): Uncertain significance (1 of 4 stars; one submission).

Conditions:
Autosomal dominant childhood-onset proximal spinal muscular atrophy with contractures (SMALED2A). Also called: SPINAL MUSCULAR ATROPHY, LOWER EXTREMITY-PREDOMINANT, 2A, CHILDHOOD ONSET, AUTOSOMAL DOMINANT; Spinal muscular atrophy, lower extremity-predominant, 2A, autosomal dominant. Identifiers: Orphanet 363447, Orphanet 363454, MedGen C4747715, MONDO:0014121, OMIM 615290.

Submission:

Labcorp Genetics (formerly Invitae), Labcorp
Classification: Uncertain significance for Autosomal dominant childhood-onset proximal spinal muscular atrophy with contractures. Last evaluated: 2021-05-13. Review status: criteria provided, single submitter. Criteria: Invitae Variant Classification Sherloc (09022015). Collection method: clinical testing. Allele origin: germline.
Comment: In summary, the available evidence is currently insufficient to determine the role of this variant in disease. Therefore, it has been classified as a Variant of Uncertain Significance. Advanced modeling of protein sequence and biophysical properties (such as structural, functional, and spatial information, amino acid conservation, physicochemical variation, residue mobility, and thermodynamic stability) performed at Invitae indicates that this missense variant is not expected to disrupt BICD2 protein function. This sequence change replaces isoleucine with threonine at codon 71 of the BICD2 protein (p.Ile71Thr). The isoleucine residue is moderately conserved and there is a moderate physicochemical difference between isoleucine and threonine. This variant is not present in population databases (ExAC no frequency). This variant has not been reported in the literature in individuals with BICD2-related conditions.